The following is an entry in ClinVar:

ClinVar aggregate classification (germline): Uncertain significance (1 of 4 stars; one submission).

Submission:

Ambry Genetics
Classification: Uncertain significance. Last evaluated: 2025-10-10. Review status: criteria provided, single submitter. Criteria: Ambry Variant Classification Scheme 2023. Collection method: clinical testing. Allele origin: germline.
Comment: The p.A538T variant (also known as c.1612G>A), located in coding exon 1 of the MLH3 gene, results from a G to A substitution at nucleotide position 1612. The alanine at codon 538 is replaced by threonine, an amino acid with similar properties. This amino acid position is conserved. In addition, this alteration is predicted to be tolerated by in silico analysis. Based on the available evidence, the clinical significance of this variant remains unclear.

NM_001040108.2(MLH3):c.1612G>A (p.Ala538Thr)

Gene: MLH3 (mutL homolog 3; minus strand). Cytogenetic location: 14q24.3.
Variant type: single nucleotide variant.
Coding change: c.1612G>A on transcript NM_001040108.2 (MANE Select); coding-DNA position 1612, G replaced by A.
Protein change: p.Ala538Thr; replaces alanine 538 with threonine.
Molecular consequence: missense variant.
Genome position (GRCh38, 1-based): chr14:75,048,044, C>T on the plus strand (G>A on the coding strand, the complement: MLH3 is on the minus strand). VCF-style: chr14-75048044-C-T. GRCh37 (hg19) VCF-style: chr14-75514747-C-T.
Other names: c.1612G>A, p.Ala538Thr (NM_014381.3); short protein forms A538T.
Identifiers: ClinVar variation 4552086 (VCV004552086.1).